The following is an entry in ClinVar:

NM_015041.3(CLUAP1):c.1147G>A (p.Asp383Asn)

Gene: CLUAP1 (clusterin associated protein 1; plus strand). Cytogenetic location: 16p13.3.
Variant type: single nucleotide variant.
Coding change: c.1147G>A on transcript NM_015041.3 (MANE Select); coding-DNA position 1147, G replaced by A.
Protein change: p.Asp383Asn; replaces aspartic acid 383 with asparagine.
Molecular consequence: missense variant.
Genome position (GRCh38, 1-based): chr16:3,536,176, G>A. VCF-style: chr16-3536176-G-A. GRCh37 (hg19) VCF-style: chr16-3586176-G-A.
Other names: c.1204G>A, p.Asp402Asn (NM_001330454.2); c.649G>A, p.Asp217Asn (NM_024793.3); short protein forms D402N, D383N, D217N.
Identifiers: ClinVar variation 4760491 (VCV004760491.1).
Genomic context (GRCh38, chr16:3,536,176, plus strand): 5'-CTATAGGAGGACTCGGAGGAGAGTGAAATTGACATGGAAGATGATGATGACGAGGATGAC[G>A]ATTTGGAAGACGAGAGCATTTCTCTCTCACCAACCAAGCCCAATCGAAGGGTCCGGAAAT-3'
Protein context (NP_055856.1, residues 373-393): DMEDDDDEDD[Asp383Asn]LEDESISLSP

ClinVar aggregate classification (germline): Uncertain significance (1 of 4 stars; one submission).

Submission:

Labcorp Genetics (formerly Invitae), Labcorp
Classification: Uncertain significance. Last evaluated: 2025-11-28. Review status: criteria provided, single submitter. Criteria: Invitae Variant Classification Sherloc (09022015). Collection method: clinical testing. Allele origin: germline.
Comment: This sequence change replaces aspartic acid, which is acidic and polar, with asparagine, which is neutral and polar, at codon 383 of the CLUAP1 protein (p.Asp383Asn). This variant is present in population databases (no rsID available, gnomAD 0.003%). This variant has not been reported in the literature in individuals affected with CLUAP1-related conditions. Invitae Evidence Modeling of protein sequence and biophysical properties (such as structural, functional, and spatial information, amino acid conservation, physicochemical variation, residue mobility, and thermodynamic stability) indicates that this missense variant is not expected to disrupt CLUAP1 protein function with a negative predictive value of 80%. In summary, the available evidence is currently insufficient to determine the role of this variant in disease. Therefore, it has been classified as a Variant of Uncertain Significance.